The following is an entry in ClinVar:

ClinVar aggregate classification (germline): Conflicting classifications of pathogenicity. Review status: criteria provided, conflicting classifications (1 of 4 stars). 5 submissions from 5 submitters: Uncertain significance (1); Likely benign (4). Last evaluated 2025-10-03.

Conditions:
CCM2-related disorder. Also called: CCM2-related condition.
Inborn genetic diseases. Identifiers: MedGen C0950123, MeSH D030342.
Cerebral cavernous malformation 2. Also called: Familial Cerebral Cavernous Malformation 2. Identifiers: Orphanet 221061, MedGen C1864041, MONDO:0011304, OMIM 603284.

Allele frequency attached by ClinVar (database versions not stated): gnomAD exomes 0.00008 and 0.00023; 1000 Genomes Project 30x 0.00016; 1000 Genomes Project 0.00020; ExAC 0.00025; ESP Exome Variant Server 0.00092; gnomAD 0.00112 and 0.00119; TOPMed 0.00114.
gnomAD v4.1: 286 of 1,613,194 alleles (0.018%); highest among the groups gnomAD compares: African/African-American, 0.33%; no homozygotes.

Submissions (5):

Labcorp Genetics (formerly Invitae), Labcorp
Classification: Likely benign for Cerebral cavernous malformation 2. Last evaluated: 2025-10-03. Review status: criteria provided, single submitter. Criteria: Invitae Variant Classification Sherloc (09022015). Collection method: clinical testing. Allele origin: germline.

Mayo Clinic Laboratories, Mayo Clinic
Classification: Likely benign. Last evaluated: 2025-03-11. Review status: criteria provided, single submitter. Criteria: ACMG Guidelines, 2015. Collection method: clinical testing. Allele origin: germline. Observed: 2 variant alleles.
Comment: BS1, BP4_moderate

PreventionGenetics, part of Exact Sciences
Classification: Likely benign for CCM2-related condition. Last evaluated: 2024-10-11. Review status: criteria provided, single submitter. Criteria: ACMG Guidelines, 2015. Collection method: clinical testing. Allele origin: germline.
Comment: This variant is classified as likely benign based on ACMG/AMP sequence variant interpretation guidelines (Richards et al. 2015 PMID: 25741868, with internal and published modifications).

Ambry Genetics
Classification: Uncertain significance for Inborn genetic diseases. Last evaluated: 2021-07-15. Review status: criteria provided, single submitter. Criteria: Ambry Variant Classification Scheme 2023. Collection method: clinical testing. Allele origin: germline.
Comment: The p.T406M variant (also known as c.1217C>T), located in coding exon 10 of the CCM2 gene, results from a C to T substitution at nucleotide position 1217. The threonine at codon 406 is replaced by methionine, an amino acid with similar properties. This amino acid position is conserved. In addition, this alteration is predicted to be tolerated by in silico analysis. Since supporting evidence is limited at this time, the clinical significance of this alteration remains unclear.

ARUP Laboratories, Molecular Genetics and Genomics, ARUP Laboratories
Classification: Likely benign for Cerebral cavernous malformation 2. Last evaluated: 2019-04-13. Review status: criteria provided, single submitter. Criteria: ARUP Molecular Germline Variant Investigation Process. Collection method: clinical testing. Allele origin: germline.

NM_031443.4(CCM2):c.1217C>T (p.Thr406Met)

Gene: CCM2 (CCM2 scaffold protein; plus strand). Cytogenetic location: 7p13.
Variant type: single nucleotide variant.
Coding change: c.1217C>T on transcript NM_031443.4 (MANE Select); coding-DNA position 1217, C replaced by T.
Protein change: p.Thr406Met; replaces threonine 406 with methionine.
Molecular consequence: missense variant. On other transcripts: non-coding transcript variant (1).
Genome position (GRCh38, 1-based): chr7:45,075,939, C>T. VCF-style: chr7-45075939-C-T. GRCh37 (hg19) VCF-style: chr7-45115538-C-T.
Other names: p.Thr406Met; c.1280C>T, p.Thr427Met (NM_001029835.2); c.1043C>T, p.Thr348Met (NM_001167934.2); c.944C>T, p.Thr315Met (NM_001167935.2); c.1340C>T, p.Thr447Met (NM_001363458.2); c.1166C>T, p.Thr389Met (NM_001363459.2); short protein forms T315M, T427M, T348M, T389M, T447M, T406M.
Identifiers: ClinVar variation 698208 (VCV000698208.17), dbSNP rs150734280, ClinGen allele CA4247287.